The following is an entry in ClinVar:

NM_014946.4(SPAST):c.1306_1308del (p.Ser436del)

Gene: SPAST (spastin; plus strand). Cytogenetic location: 2p22.3.
Variant type: Deletion.
Coding change: c.1306_1308del on transcript NM_014946.4 (MANE Select); coding-DNA positions 1306 to 1308, 3 bases deleted (TCT; older notation c.1306_1308delTCT).
Protein change: p.Ser436del; deletes serine 436.
Molecular consequence: inframe deletion.
Genome position (GRCh38, 1-based): chr2:32,136,623-32,136,625, TCT deleted; deleting any 3 consecutive bases within chr2:32,136,621-32,136,625 gives the same sequence; the c. name uses the placement nearest the transcript's 3' end. VCF-style (leftmost placement, unchanged base first): chr2-32136620-CCTT-C. GRCh37 (hg19) VCF-style: chr2-32361689-CCTT-C.
Other names: c.1303_1305del, p.Ser435del (NM_001363823.2); c.1207_1209del, p.Ser403del (NM_001363875.2); c.1210_1212del, p.Ser404del (NM_001377959.1, NM_199436.2); short protein forms S436del, S403del, S435del, S404del.
Identifiers: ClinVar variation 1392251 (VCV001392251.6), dbSNP rs2148753695, ClinGen allele CA2573134499.

ClinVar aggregate classification (germline): Uncertain significance (1 of 4 stars; one submission).

Conditions:
Hereditary spastic paraplegia 4. Also called: Spastic Paraplegia 4; Familial spastic paraplegia autosomal dominant 2; Spastic paraplegia 4, autosomal dominant. Identifiers: Orphanet 100985, MedGen C1866855, MONDO:0008438, OMIM 182601.

Submission:

Labcorp Genetics (formerly Invitae), Labcorp
Classification: Uncertain significance for Hereditary spastic paraplegia 4. Last evaluated: 2025-10-29. Review status: criteria provided, single submitter. Criteria: Invitae Variant Classification Sherloc (09022015). Collection method: clinical testing. Allele origin: germline.
Comment: This variant, c.1306_1308del, results in the deletion of 1 amino acid(s) of the SPAST protein (p.Ser436del), but otherwise preserves the integrity of the reading frame. This variant is not present in population databases (gnomAD no frequency). This variant has not been reported in the literature in individuals affected with SPAST-related conditions. ClinVar contains an entry for this variant (Variation ID: 1392251). This variant disrupts the p.Ser436 (also reported as p.Ser404) amino acid residue in SPAST. Other variant(s) that disrupt this residue have been observed in individuals with SPAST-related conditions (PMID: 11087788, 20932283), which suggests that this may be a clinically significant amino acid residue. In summary, the available evidence is currently insufficient to determine the role of this variant in disease. Therefore, it has been classified as a Variant of Uncertain Significance.

Literature cited by the submitters: PubMed 11087788; PubMed 20932283.